The following is an entry in ClinVar:

ClinVar aggregate classification (germline): Likely benign (0 of 4 stars; one submission).

Conditions:
ARHGEF28-related disorder. Also called: ARHGEF28-related condition.

Allele frequency attached by ClinVar (database versions not stated): ExAC 0.00002; gnomAD 0.00005; TOPMed 0.00008.
gnomAD v4.1: 98 of 1,613,764 alleles (0.0061%); highest among the groups gnomAD compares: Non-Finnish European, 0.0073%; no homozygotes.

Submission:

PreventionGenetics, part of Exact Sciences
Classification: Likely benign for ARHGEF28-related condition. Last evaluated: 2019-06-12. Review status: no assertion criteria provided. Collection method: clinical testing. Allele origin: germline.
Comment: This variant is classified as likely benign based on ACMG/AMP sequence variant interpretation guidelines (Richards et al. 2015 PMID: 25741868, with internal and published modifications).

NM_001177693.2(ARHGEF28):c.1578G>A (p.Pro526=)

Gene: ARHGEF28 (Rho guanine nucleotide exchange factor 28; plus strand). Cytogenetic location: 5q13.2.
Variant type: single nucleotide variant.
Coding change: c.1578G>A on transcript NM_001177693.2 (MANE Select); coding-DNA position 1578, G replaced by A.
Protein change: p.Pro526=; no amino-acid change (proline 526 retained).
Molecular consequence: synonymous variant.
Genome position (GRCh38, 1-based): chr5:73,846,418, G>A. VCF-style: chr5-73846418-G-A. GRCh37 (hg19) VCF-style: chr5-73142243-G-A.
Other names: c.639G>A, p.Pro213= (NM_001244364.2); c.1284G>A, p.Pro428= (NM_001388076.1); c.1578G>A, p.Pro526= (NM_001388078.1, NM_001080479.3).
Identifiers: ClinVar variation 3033530 (VCV003033530.2), dbSNP rs550141930, ClinGen allele CA3304575.